The following is an entry in ClinVar:

ClinVar aggregate classification (germline): Uncertain significance (1 of 4 stars; one submission).

Conditions:
KIDINS220-related disorder. Also called: KIDINS220-related condition.

gnomAD v4.1: 3 of 1,538,684 alleles (0.00019%); highest among the groups gnomAD compares: Non-Finnish European, 0.00018%; no homozygotes.

Submission:

PreventionGenetics, part of Exact Sciences
Classification: Uncertain significance for KIDINS220-related condition. Last evaluated: 2024-12-12. Review status: criteria provided, single submitter. Criteria: ACMG Guidelines, 2015. Collection method: clinical testing. Allele origin: germline.
Comment: The KIDINS220 c.406-1G>A variant is predicted to disrupt the AG splice acceptor site and interfere with normal splicing. Exon skipping would result in an inframe deletion of ~32 amino acids. To our knowledge, this variant has not been reported in the literature. This variant is reported in 0.0010% of alleles in individuals of European (Non-Finnish) descent in gnomAD. At this time, the clinical significance of this variant is uncertain due to the absence of conclusive functional and genetic evidence.

NM_020738.4(KIDINS220):c.406-1G>A

Gene: KIDINS220 (kinase D interacting substrate 220; minus strand). Cytogenetic location: 2p25.1.
Variant type: single nucleotide variant.
Coding change: c.406-1G>A on transcript NM_020738.4 (MANE Select); the canonical splice acceptor site of the intron before coding-DNA position 406, G replaced by A.
Molecular consequence: splice acceptor variant. On other transcripts: synonymous variant (6), non-coding transcript variant (1).
Genome position (GRCh38, 1-based): chr2:8,812,494, C>T on the plus strand (G>A on the coding strand, the complement: KIDINS220 is on the minus strand). VCF-style: chr2-8812494-C-T. GRCh37 (hg19) VCF-style: chr2-8952624-C-T.
Other names: c.408G>A, p.Gln136= (NM_001348729.2, NM_001348731.2, NM_001348734.2 and 3 more transcripts); c.406-1G>A (NM_001348741.2, NM_001348738.2, NM_001348742.2 and 3 more transcripts); c.280-1G>A (NM_001348736.2).
Identifiers: ClinVar variation 5001315 (VCV005001315.1).